The following is an entry in ClinVar:

NM_004612.4(TGFBR1):c.*1710G>A

Gene: TGFBR1 (transforming growth factor beta receptor 1; plus strand). Cytogenetic location: 9q22.33.
Variant type: single nucleotide variant.
Coding change: c.*1710G>A on transcript NM_004612.4 (MANE Select); 1710 bases downstream of the stop codon, G replaced by A.
Molecular consequence: 3 prime UTR variant.
Genome position (GRCh38, 1-based): chr9:99,151,015, G>A. VCF-style: chr9-99151015-G-A. GRCh37 (hg19) VCF-style: chr9-101913297-G-A.
Other names: c.*1710G>A (NM_001130916.3, NM_001306210.2).
Identifiers: ClinVar variation 364124 (VCV000364124.35), dbSNP rs200197062, ClinGen allele CA10634293.

ClinVar aggregate classification (germline): Benign (1 of 4 stars; one submission).

Allele frequency attached by ClinVar (database versions not stated): gnomAD 0.00005 and 0.00033; TOPMed 0.00011; gnomAD exomes 0.00027; 1000 Genomes Project 30x 0.00219; 1000 Genomes Project 0.00220.
gnomAD v4.1: 70 of 228,098 alleles (0.031%); highest among the groups gnomAD compares: South Asian, 0.84%; 1 homozygote.

Submission:

CeGaT Center for Human Genetics Tuebingen
Classification: Benign. Last evaluated: 2022-09-01. Review status: criteria provided, single submitter. Criteria: CeGaT Center For Human Genetics Tuebingen Variant Classification Criteria Version 2. Collection method: clinical testing. Allele origin: germline. Affected: yes. Observed: 2 variant alleles.
Comment: TGFBR1: BS1, BS2